The following is an entry in ClinVar:

NM_004046.6(ATP5F1A):c.352G>A (p.Val118Met)

Gene: ATP5F1A (ATP synthase F1 subunit alpha; minus strand). Cytogenetic location: 18q21.1.
Variant type: single nucleotide variant.
Coding change: c.352G>A on transcript NM_004046.6 (MANE Select); coding-DNA position 352, G replaced by A.
Protein change: p.Val118Met; replaces valine 118 with methionine.
Molecular consequence: missense variant.
Genome position (GRCh38, 1-based): chr18:46,089,954, C>T on the plus strand (G>A on the coding strand, the complement: ATP5F1A is on the minus strand). VCF-style: chr18-46089954-C-T. GRCh37 (hg19) VCF-style: chr18-43669920-C-T.
Other names: c.202G>A, p.Val68Met (NM_001001935.3, NM_001257335.2); c.352G>A, p.Val118Met (NM_001001937.2, NM_001257334.2); short protein forms V68M, V118M.
Identifiers: ClinVar variation 4738628 (VCV004738628.1).

ClinVar aggregate classification (germline): Uncertain significance (1 of 4 stars; one submission).

gnomAD v4.1: 24 of 1,611,116 alleles (0.0015%); highest among the groups gnomAD compares: Middle Eastern, 0.016%; no homozygotes.

Submission:

Labcorp Genetics (formerly Invitae), Labcorp
Classification: Uncertain significance. Last evaluated: 2025-12-31. Review status: criteria provided, single submitter. Criteria: Invitae Variant Classification Sherloc (09022015). Collection method: clinical testing. Allele origin: germline.
Comment: This sequence change replaces valine, which is neutral and non-polar, with methionine, which is neutral and non-polar, at codon 118 of the ATP5A1 protein (p.Val118Met). The frequency data for this variant in the population databases is considered unreliable, as metrics indicate poor data quality at this position in the gnomAD database. This variant has not been reported in the literature in individuals affected with ATP5A1-related conditions. Invitae Evidence Modeling of protein sequence and biophysical properties (such as structural, functional, and spatial information, amino acid conservation, physicochemical variation, residue mobility, and thermodynamic stability) indicates that this missense variant is not expected to disrupt ATP5A1 protein function with a negative predictive value of 80%. In summary, the available evidence is currently insufficient to determine the role of this variant in disease. Therefore, it has been classified as a Variant of Uncertain Significance.